The following is an entry in ClinVar:

ClinVar aggregate classification (germline): Uncertain significance. Review status: criteria provided, multiple submitters, no conflicts (2 of 4 stars). 2 submissions from 2 submitters: Uncertain significance (2). Last evaluated 2023-07-20.

Conditions:
Hereditary cancer-predisposing syndrome. Also called: Tumor predisposition; Hereditary Cancer Syndrome; Hereditary neoplastic syndrome; Neoplastic Syndromes, Hereditary. Identifiers: Orphanet 140162, MedGen C0027672, MeSH D009386, MONDO:0015356.
Neuroblastoma, susceptibility to, 2. Identifiers: Orphanet 635, MedGen C2751682, MONDO:0700041, OMIM 613013.

gnomAD v4.1: 1 of 1,606,388 alleles (0.000062%); highest among the groups gnomAD compares: Non-Finnish European, 0.000085%; no homozygotes.

Submissions (2):

Ambry Genetics
Classification: Uncertain significance for Hereditary cancer-predisposing syndrome. Last evaluated: 2023-07-20. Review status: criteria provided, single submitter. Criteria: Ambry Variant Classification Scheme 2023. Collection method: clinical testing. Allele origin: germline.
Comment: The p.T205S variant (also known as c.614C>G), located in coding exon 3 of the PHOX2B gene, results from a C to G substitution at nucleotide position 614. The threonine at codon 205 is replaced by serine, an amino acid with similar properties. This amino acid position is conserved. In addition, this alteration is predicted to be tolerated by in silico analysis. Since supporting evidence is limited at this time, the clinical significance of this alteration remains unclear.

Baylor Genetics
Classification: Uncertain significance for Neuroblastoma, susceptibility to, 2. Last evaluated: 2023-06-25. Review status: criteria provided, single submitter. Criteria: ACMG Guidelines, 2015. Collection method: clinical testing. Allele origin: unknown.

NM_003924.4(PHOX2B):c.614C>G (p.Thr205Ser)

Gene: PHOX2B (paired like homeobox 2B; minus strand). Cytogenetic location: 4p13.
Variant type: single nucleotide variant.
Coding change: c.614C>G on transcript NM_003924.4 (MANE Select); coding-DNA position 614, C replaced by G.
Protein change: p.Thr205Ser; replaces threonine 205 with serine.
Molecular consequence: missense variant.
Genome position (GRCh38, 1-based): chr4:41,746,138, G>C on the plus strand (C>G on the coding strand, the complement: PHOX2B is on the minus strand). VCF-style: chr4-41746138-G-C. GRCh37 (hg19) VCF-style: chr4-41748155-G-C.
Other names: short protein forms T205S.
Identifiers: ClinVar variation 2625347 (VCV002625347.3), dbSNP rs1228610109, ClinGen allele CA356737721.